The following is an entry in ClinVar:

NM_000158.4(GBE1):c.527T>A (p.Ile176Lys)

Gene: GBE1 (1,4-alpha-glucan branching enzyme 1; minus strand). Cytogenetic location: 3p12.2.
Variant type: single nucleotide variant.
Coding change: c.527T>A on transcript NM_000158.4 (MANE Select); coding-DNA position 527, T replaced by A.
Protein change: p.Ile176Lys; replaces isoleucine 176 with lysine.
Molecular consequence: missense variant.
Genome position (GRCh38, 1-based): chr3:81,649,824, A>T on the plus strand (T>A on the coding strand, the complement: GBE1 is on the minus strand). VCF-style: chr3-81649824-A-T. GRCh37 (hg19) VCF-style: chr3-81698975-A-T.
Other names: short protein forms I176K.
Identifiers: ClinVar variation 1162961 (VCV001162961.19), dbSNP rs571116428, ClinGen allele CA2499944.

ClinVar aggregate classification (germline): Uncertain significance. Review status: criteria provided, multiple submitters, no conflicts (2 of 4 stars). 7 submissions from 7 submitters: Uncertain significance (6). 1 of the submissions does not count toward it. Last evaluated 2025-09-01.

Conditions:
Glycogen storage disease, type IV (GSD4). Also called: AMYLOPECTINOSIS; ANDERSEN DISEASE; BRANCHER DEFICIENCY; CIRRHOSIS, FAMILIAL, WITH DEPOSITION OF ABNORMAL GLYCOGEN; Glycogen storage disease due to glycogen branching enzyme deficiency; GBE1 DEFICIENCY. Identifiers: Orphanet 367, MedGen C0017923, MONDO:0009292, OMIM 232500.
Glycogen storage disease IV, classic hepatic. Also called: GSD IV, CLASSIC HEPATIC. Identifiers: MedGen C1856301.
Inborn genetic diseases. Identifiers: MedGen C0950123, MeSH D030342.

Allele frequency attached by ClinVar (database versions not stated): gnomAD 0.00006 and 0.00007; TOPMed 0.00006; ExAC 0.00007; gnomAD exomes 0.00009 and 0.00016.
gnomAD v4.1: 239 of 1,611,226 alleles (0.015%); highest among the groups gnomAD compares: Non-Finnish European, 0.018%; no homozygotes.

Submissions (7):

CeGaT Center for Human Genetics Tuebingen
Classification: Uncertain significance. Last evaluated: 2025-09-01. Review status: criteria provided, single submitter. Criteria: CeGaT Center For Human Genetics Tuebingen Variant Classification Criteria Version 2. Collection method: clinical testing. Allele origin: germline. Affected: yes. Observed: 1 variant allele.
Comment: GBE1: PM2, BP4

Mayo Clinic Laboratories, Mayo Clinic
Classification: Uncertain significance. Last evaluated: 2025-04-29. Review status: criteria provided, single submitter. Criteria: ACMG Guidelines, 2015. Collection method: clinical testing. Allele origin: germline. Observed: 4 variant alleles.
Comment: BP4_moderate

Labcorp Genetics (formerly Invitae), Labcorp
Classification: Uncertain significance for Glycogen storage disease, type IV; Glycogen storage disease IV, classic hepatic. Last evaluated: 2022-07-28. Review status: criteria provided, single submitter. Criteria: Invitae Variant Classification Sherloc (09022015). Collection method: clinical testing. Allele origin: germline.
Comment: This sequence change replaces isoleucine, which is neutral and non-polar, with lysine, which is basic and polar, at codon 176 of the GBE1 protein (p.Ile176Lys). This variant is present in population databases (rs571116428, gnomAD 0.02%). This variant has not been reported in the literature in individuals affected with GBE1-related conditions. ClinVar contains an entry for this variant (Variation ID: 1162961). Advanced modeling of protein sequence and biophysical properties (such as structural, functional, and spatial information, amino acid conservation, physicochemical variation, residue mobility, and thermodynamic stability) performed at Invitae indicates that this missense variant is not expected to disrupt GBE1 protein function. In summary, the available evidence is currently insufficient to determine the role of this variant in disease. Therefore, it has been classified as a Variant of Uncertain Significance.

Ambry Genetics
Classification: Uncertain significance for Inborn genetic diseases. Last evaluated: 2021-07-09. Review status: criteria provided, single submitter. Criteria: Ambry Variant Classification Scheme 2023. Collection method: clinical testing. Allele origin: germline.

GeneDx
Classification: Uncertain significance. Last evaluated: 2020-01-17. Review status: criteria provided, single submitter. Criteria: GeneDx Variant Classification Process June 2021. Collection method: clinical testing. Allele origin: germline. Affected: yes.
Comment: In silico analysis, which includes protein predictors and evolutionary conservation, supports that this variant does not alter protein structure/function; Has not been previously published as pathogenic or benign to our knowledge

Breakthrough Genomics
Classification: Uncertain significance. Review status: criteria provided, single submitter. Criteria: ACMG Guidelines, 2015. Collection method: not provided. Allele origin: germline. Inheritance: Autosomal recessive inheritance. Affected: yes.

Natera, Inc.
Classification: Uncertain significance for Glycogen storage disease type IV. Last evaluated: 2020-02-26. Review status: no assertion criteria provided. Collection method: clinical testing. Allele origin: germline. Not counted in ClinVar's aggregate classification.